The following is an entry in ClinVar:

ClinVar aggregate classification (germline): Uncertain significance. Review status: criteria provided, multiple submitters, no conflicts (2 of 4 stars). 2 submissions from 2 submitters: Uncertain significance (2). Last evaluated 2026-02-01.

gnomAD v4.1: 105 of 1,611,780 alleles (0.0065%); highest among the groups gnomAD compares: Non-Finnish European, 0.0082%; no homozygotes.

Submissions (2):

CeGaT Center for Human Genetics Tuebingen
Classification: Uncertain significance. Last evaluated: 2026-02-01. Review status: criteria provided, single submitter. Criteria: CeGaT Center For Human Genetics Tuebingen Variant Classification Criteria Version 2. Collection method: clinical testing. Allele origin: germline. Affected: yes. Observed: 1 variant allele.
Comment: SLC25A10: PM2, PP3

Ambry Genetics
Classification: Uncertain significance. Last evaluated: 2025-05-17. Review status: criteria provided, single submitter. Criteria: Ambry Variant Classification Scheme 2023. Collection method: clinical testing. Allele origin: germline.

NM_012140.5(SLC25A10):c.641C>T (p.Thr214Met)

Gene: SLC25A10 (solute carrier family 25 member 10; plus strand). Cytogenetic location: 17q25.3.
Variant type: single nucleotide variant.
Coding change: c.641C>T on transcript NM_012140.5 (MANE Select); coding-DNA position 641, C replaced by T.
Protein change: p.Thr214Met; replaces threonine 214 with methionine.
Molecular consequence: missense variant. On other transcripts: synonymous variant (1).
Genome position (GRCh38, 1-based): chr17:81,717,797, C>T. VCF-style: chr17-81717797-C-T. GRCh37 (hg19) VCF-style: chr17-79684827-C-T.
Other names: c.668C>T, p.Thr223Met (NM_001270888.2); c.558C>T, p.His186= (NM_001270953.2); short protein forms T214M, T223M.
Identifiers: ClinVar variation 3955840 (VCV003955840.5).